The following is an entry in ClinVar:

ClinVar aggregate classification (germline): Uncertain significance. Review status: criteria provided, multiple submitters, no conflicts (2 of 4 stars). 2 submissions from 2 submitters: Uncertain significance (2). Last evaluated 2025-10-21.

Conditions:
C3 glomerulonephritis. Also called: Nephropathy due to CFHR5 Deficiency; C3 GLOMERULOPATHY 3. Identifiers: Orphanet 329931, MedGen C4055342, MONDO:0013892, OMIM 614809.

Submissions (2):

Mayo Clinic Laboratories, Mayo Clinic
Classification: Uncertain significance. Last evaluated: 2025-10-21. Review status: criteria provided, single submitter. Criteria: ACMG Guidelines, 2015. Collection method: clinical testing. Allele origin: germline. Observed: 1 variant allele.
Comment: PM2_supporting, PM4

Fulgent Genetics
Classification: Uncertain significance for C3 glomerulonephritis. Last evaluated: 2024-02-13. Review status: criteria provided, single submitter. Criteria: ACMG Guidelines, 2015. Collection method: clinical testing. Allele origin: germline.

NM_030787.4(CFHR5):c.749_751del (p.Gln250_Cys251delinsArg)

Gene: CFHR5 (complement factor H related 5; plus strand). Cytogenetic location: 1q31.3.
Variant type: Deletion.
Coding change: c.749_751del on transcript NM_030787.4 (MANE Select); coding-DNA positions 749 to 751, 3 bases deleted (AAT; older notation c.749_751delAAT).
Protein change: p.Gln250_Cys251delinsArg.
Molecular consequence: inframe indel.
Genome position (GRCh38, 1-based): chr1:196,995,858-196,995,860, AAT deleted. VCF-style (leftmost placement, unchanged base first): chr1-196995857-CAAT-C. GRCh37 (hg19) VCF-style: chr1-196964987-CAAT-C.
Other names: p.Gln250_Cys251delinsArg.
Identifiers: ClinVar variation 3575875 (VCV003575875.2).